The following is an entry in ClinVar:

NM_021930.6(RINT1):c.1665C>G (p.Asp555Glu)

Gene: RINT1 (RAD50 interactor 1; plus strand). Cytogenetic location: 7q22.3.
Variant type: single nucleotide variant.
Coding change: c.1665C>G on transcript NM_021930.6 (MANE Select); coding-DNA position 1665, C replaced by G.
Protein change: p.Asp555Glu; replaces aspartic acid 555 with glutamic acid.
Molecular consequence: missense variant.
Genome position (GRCh38, 1-based): chr7:105,555,221, C>G. VCF-style: chr7-105555221-C-G. GRCh37 (hg19) VCF-style: chr7-105195668-C-G.
Other names: c.1431C>G, p.Asp477Glu (NM_001346599.2); c.642C>G, p.Asp214Glu (NM_001346600.2, NM_001346603.2); c.741C>G, p.Asp247Glu (NM_001346601.2); short protein forms D247E, D477E, D555E, D214E.
Identifiers: ClinVar variation 1777559 (VCV001777559.2), dbSNP rs2485150436, ClinGen allele CA368812036.

ClinVar aggregate classification (germline): Uncertain significance (1 of 4 stars; one submission).

Submission:

Ambry Genetics
Classification: Uncertain significance. Last evaluated: 2022-07-17. Review status: criteria provided, single submitter. Criteria: Ambry Variant Classification Scheme 2023. Collection method: clinical testing. Allele origin: germline.
Comment: The p.D555E variant (also known as c.1665C>G), located in coding exon 11 of the RINT1 gene, results from a C to G substitution at nucleotide position 1665. The aspartic acid at codon 555 is replaced by glutamic acid, an amino acid with highly similar properties. This amino acid position is conserved. In addition, this alteration is predicted to be tolerated by in silico analysis. Since supporting evidence is limited at this time, the clinical significance of this alteration remains unclear.